The following is an entry in ClinVar:

ClinVar aggregate classification (germline): Likely benign (1 of 4 stars; one submission).

Submission:

CeGaT Center for Human Genetics Tuebingen
Classification: Likely benign. Last evaluated: 2022-11-01. Review status: criteria provided, single submitter. Criteria: CeGaT Center For Human Genetics Tuebingen Variant Classification Criteria Version 2. Collection method: clinical testing. Allele origin: germline. Affected: yes. Observed: 1 variant allele.
Comment: SZT2: BP4, BP7

NM_001365999.1(SZT2):c.7866A>C (p.Thr2622=)

Gene: SZT2 (SZT2 subunit of KICSTOR complex; plus strand). Cytogenetic location: 1p34.2.
Variant type: single nucleotide variant.
Coding change: c.7866A>C on transcript NM_001365999.1 (MANE Select); coding-DNA position 7866, A replaced by C.
Protein change: p.Thr2622=; no amino-acid change (threonine 2622 retained).
Molecular consequence: synonymous variant.
Genome position (GRCh38, 1-based): chr1:43,442,123, A>C. VCF-style: chr1-43442123-A-C. GRCh37 (hg19) VCF-style: chr1-43907794-A-C.
Other names: c.7695A>C, p.Thr2565= (NM_015284.4).
Identifiers: ClinVar variation 1879087 (VCV001879087.29), dbSNP rs200394172, ClinGen allele CA417550883.